The following is an entry in ClinVar:

NM_198252.3(GSN):c.250C>G (p.Leu84Val)

Gene: GSN (gelsolin; plus strand). Cytogenetic location: 9q33.2.
Variant type: single nucleotide variant.
Coding change: c.250C>G on transcript NM_198252.3 (MANE Select); coding-DNA position 250, C replaced by G.
Protein change: p.Leu84Val; replaces leucine 84 with valine.
Molecular consequence: missense variant. On other transcripts: 5 prime UTR variant (1).
Genome position (GRCh38, 1-based): chr9:121,302,964, C>G. VCF-style: chr9-121302964-C-G. GRCh37 (hg19) VCF-style: chr9-124065242-C-G.
Other names: c.250C>G, p.Leu84Val (NM_001353055.2, NM_001353056.2, NM_001353057.2 and 10 more transcripts); c.283C>G, p.Leu95Val (NM_001353070.2, NM_001353071.2, NM_001353063.2 and 13 more transcripts); c.403C>G, p.Leu135Val (NM_000177.5); c.358C>G, p.Leu120Val (NM_001127663.2); c.301C>G, p.Leu101Val (NM_001258029.2); c.274C>G, p.Leu92Val (NM_001258030.2); c.322C>G, p.Leu108Val (NM_001353076.2); c.-405C>G (NM_001353078.2); short protein forms L101V, L108V, L135V, L84V, L120V, L92V, L95V.
Identifiers: ClinVar variation 2803930 (VCV002803930.3), dbSNP rs1588966655, ClinGen allele CA374733916.

ClinVar aggregate classification (germline): Uncertain significance (1 of 4 stars; one submission).

Allele frequency attached by ClinVar (database versions not stated): gnomAD exomes below 0.00001; TOPMed below 0.00001; gnomAD 0.00001.
gnomAD v4.1: 3 of 1,613,882 alleles (0.00019%); highest among the groups gnomAD compares: East Asian, 0.0022%; no homozygotes.

Submission:

Labcorp Genetics (formerly Invitae), Labcorp
Classification: Uncertain significance. Last evaluated: 2024-01-29. Review status: criteria provided, single submitter. Criteria: Invitae Variant Classification Sherloc (09022015). Collection method: clinical testing. Allele origin: germline.
Comment: This sequence change replaces leucine, which is neutral and non-polar, with valine, which is neutral and non-polar, at codon 135 of the GSN protein (p.Leu135Val). This variant is not present in population databases (gnomAD no frequency). This variant has not been reported in the literature in individuals affected with GSN-related conditions. An algorithm developed to predict the effect of missense changes on protein structure and function (PolyPhen-2) suggests that this variant is likely to be disruptive. In summary, the available evidence is currently insufficient to determine the role of this variant in disease. Therefore, it has been classified as a Variant of Uncertain Significance.